The following is an entry in ClinVar:

NM_001365951.3(KIF1B):c.4066C>T (p.Arg1356Cys)

Gene: KIF1B (kinesin family member 1B; plus strand). Cytogenetic location: 1p36.22.
Variant type: single nucleotide variant.
Coding change: c.4066C>T on transcript NM_001365951.3 (MANE Select); coding-DNA position 4066, C replaced by T.
Protein change: p.Arg1356Cys; replaces arginine 1356 with cysteine.
Molecular consequence: missense variant.
Genome position (GRCh38, 1-based): chr1:10,360,939, C>T. VCF-style: chr1-10360939-C-T. GRCh37 (hg19) VCF-style: chr1-10420997-C-T.
Other names: c.4066C>T, p.Arg1356Cys (NM_001365952.1); c.3928C>T, p.Arg1310Cys (NM_015074.3); short protein forms R1310C, R1356C.
Identifiers: ClinVar variation 662270 (VCV000662270.34), dbSNP rs1231187230, ClinGen allele CA338315611.
Genomic context (GRCh38, chr1:10,360,939, plus strand): 5'-CGTGACTTTAGCTTCTTTTGGATGATTCCCTCTTGTCTTTCTGACCTTAGGACCTTCTAC[C>T]GCTTTGAGGCTGTGTGGGATAGCTCTCTGCATAACTCCCTTCTTCTGAACCGAGTGACAC-3'
Protein context (NP_001352880.1, residues 1346-1366): SSHNSSRTFY[Arg1356Cys]FEAVWDSSLH

ClinVar aggregate classification (germline): Uncertain significance. Review status: criteria provided, multiple submitters, no conflicts (2 of 4 stars). 3 submissions from 3 submitters: Uncertain significance (3). Last evaluated 2024-12-26.

Conditions:
Charcot-Marie-Tooth disease type 2. Also called: Charcot-Marie-Tooth type 2. Identifiers: Orphanet 64746, MedGen C0270914, MONDO:0018993.

Allele frequency attached by ClinVar (database versions not stated): gnomAD exomes below 0.00001.
gnomAD v4.1: 5 of 1,612,844 alleles (0.00031%); highest among the groups gnomAD compares: East Asian, 0.0022%; no homozygotes.

Submissions (3):

Labcorp Genetics (formerly Invitae), Labcorp
Classification: Uncertain significance for Charcot-Marie-Tooth disease type 2. Last evaluated: 2024-12-26. Review status: criteria provided, single submitter. Criteria: Invitae Variant Classification Sherloc (09022015). Collection method: clinical testing. Allele origin: germline.
Comment: This sequence change replaces arginine, which is basic and polar, with cysteine, which is neutral and slightly polar, at codon 1310 of the KIF1B protein (p.Arg1310Cys). This variant is not present in population databases (gnomAD no frequency). This variant has not been reported in the literature in individuals affected with KIF1B-related conditions. ClinVar contains an entry for this variant (Variation ID: 662270). An algorithm developed to predict the effect of missense changes on protein structure and function (PolyPhen-2) suggests that this variant is likely to be disruptive. In summary, the available evidence is currently insufficient to determine the role of this variant in disease. Therefore, it has been classified as a Variant of Uncertain Significance.

CeGaT Center for Human Genetics Tuebingen
Classification: Uncertain significance. Last evaluated: 2023-07-01. Review status: criteria provided, single submitter. Criteria: CeGaT Center For Human Genetics Tuebingen Variant Classification Criteria Version 2. Collection method: clinical testing. Allele origin: germline. Affected: yes. Observed: 1 variant allele.
Comment: KIF1B: PM2, PP3

Ambry Genetics
Classification: Uncertain significance. Last evaluated: 2023-02-23. Review status: criteria provided, single submitter. Criteria: Ambry Variant Classification Scheme 2023. Collection method: clinical testing. Allele origin: germline.
Comment: The p.R1310C variant (also known as c.3928C>T), located in coding exon 36 of the KIF1B gene, results from a C to T substitution at nucleotide position 3928. The arginine at codon 1310 is replaced by cysteine, an amino acid with highly dissimilar properties. This amino acid position is conserved. In addition, this alteration is predicted to be deleterious by in silico analysis. Since supporting evidence is limited at this time, the clinical significance of this alteration remains unclear.